The following is an entry in ClinVar:

ClinVar aggregate classification (germline): Likely benign (0 of 4 stars; one submission).

Conditions:
EFCAB5-related disorder. Also called: EFCAB5-related condition.

Allele frequency attached by ClinVar (database versions not stated): gnomAD 0.00001; TOPMed 0.00001.
gnomAD v4.1: 13 of 1,613,884 alleles (0.00081%); highest among the groups gnomAD compares: Middle Eastern, 0.033%; no homozygotes.

Submission:

PreventionGenetics, part of Exact Sciences
Classification: Likely benign for EFCAB5-related condition. Last evaluated: 2019-09-18. Review status: no assertion criteria provided. Collection method: clinical testing. Allele origin: germline.
Comment: This variant is classified as likely benign based on ACMG/AMP sequence variant interpretation guidelines (Richards et al. 2015 PMID: 25741868, with internal and published modifications).

NM_198529.4(EFCAB5):c.3540C>T (p.Thr1180=)

Gene: EFCAB5 (EF-hand calcium binding domain 5; plus strand). Cytogenetic location: 17q11.2.
Variant type: single nucleotide variant.
Coding change: c.3540C>T on transcript NM_198529.4 (MANE Select); coding-DNA position 3540, C replaced by T.
Protein change: p.Thr1180=; no amino-acid change (threonine 1180 retained).
Molecular consequence: synonymous variant.
Genome position (GRCh38, 1-based): chr17:30,083,004, C>T. VCF-style: chr17-30083004-C-T. GRCh37 (hg19) VCF-style: chr17-28410022-C-T.
Identifiers: ClinVar variation 3040099 (VCV003040099.2), dbSNP rs1214442159, ClinGen allele CA499163892.